The following is an entry in ClinVar:

ClinVar aggregate classification (germline): Conflicting classifications of pathogenicity. Review status: criteria provided, conflicting classifications (1 of 4 stars). 2 submissions from 2 submitters: Likely pathogenic (1); Uncertain significance (1). Last evaluated 2024-11-25.

Conditions:
Hereditary cancer-predisposing syndrome. Also called: Tumor predisposition; Hereditary neoplastic syndrome; Neoplastic Syndromes, Hereditary; Hereditary Cancer Syndrome. Identifiers: Orphanet 140162, MedGen C0027672, MeSH D009386, MONDO:0015356.
Hereditary nonpolyposis colorectal neoplasms. Identifiers: MedGen C0009405, MeSH D003123.

Submissions (2):

Ambry Genetics
Classification: Likely pathogenic for Hereditary cancer-predisposing syndrome. Last evaluated: 2024-11-25. Review status: criteria provided, single submitter. Criteria: Ambry Variant Classification Scheme 2023. Collection method: clinical testing. Allele origin: germline.
Comment: The c.4002-24_4002-10del15 intronic variant, located in intron 9 of the MSH6 gene, results from a deletion of 15 nucleotides within intron 9 of the MSH6 gene. This variant has been identified in multiple probands whose Lynch syndrome-associated tumor demonstrated loss of MSH6 expression by immunohistochemistry (Li S et al. J. Med. Genet. 2020 Jan;57:62-69; external communication). These nucleotide positions are well conserved in available vertebrate species. In silico splice site analysis predicts that this alteration will weaken the native splice acceptor site; however, direct evidence is insufficient at this time (Ambry internal data). Based on the majority of available evidence to date, this variant is likely to be pathogenic.

Labcorp Genetics (formerly Invitae), Labcorp
Classification: Uncertain significance for Hereditary nonpolyposis colorectal neoplasms. Last evaluated: 2024-04-30. Review status: criteria provided, single submitter. Criteria: Invitae Variant Classification Sherloc (09022015). Collection method: clinical testing. Allele origin: germline.
Comment: This sequence change falls in intron 9 of the MSH6 gene. It does not directly change the encoded amino acid sequence of the MSH6 protein. This variant is not present in population databases (gnomAD no frequency). This variant has not been reported in the literature in individuals affected with MSH6-related conditions. ClinVar contains an entry for this variant (Variation ID: 1499288). Experimental studies and prediction algorithms are not available or were not evaluated, and the effect of this variant on mRNA splicing is currently unknown. In summary, the available evidence is currently insufficient to determine the role of this variant in disease. Therefore, it has been classified as a Variant of Uncertain Significance.

NM_000179.3(MSH6):c.4002-24_4002-10del

Gene: MSH6 (mutS homolog 6; plus strand). Cytogenetic location: 2p16.3.
Variant type: Deletion.
Coding change: c.4002-24_4002-10del on transcript NM_000179.3 (MANE Select); 24 bases into the intron before coding-DNA position 4002 through 10 bases into the intron before coding-DNA position 4002, 15 bases deleted (TTTTTTTTTTTTTTT).
Molecular consequence: intron variant.
Genome position (GRCh38, 1-based): chr2:47,806,755-47,806,769, TTTTTTTTTTTTTTT deleted; deleting any 15 consecutive bases within chr2:47,806,752-47,806,769 gives the same sequence; the c. name uses the placement nearest the transcript's 3' end. VCF-style (leftmost placement, unchanged base first): chr2-47806751-CTTTTTTTTTTTTTTT-C. GRCh37 (hg19) VCF-style: chr2-48033890-CTTTTTTTTTTTTTTT-C.
Other names: c.3096-24_3096-10del (NM_001281493.2, NM_001281494.2); c.3612-24_3612-10del (NM_001281492.2); c.4002-24_4002-10del15 (NM_000179.2).
Identifiers: ClinVar variation 1499288 (VCV001499288.8), dbSNP rs59056100, ClinGen allele CA2573134803.